The following is an entry in ClinVar:

ClinVar aggregate classification (germline): Uncertain significance (1 of 4 stars; one submission).

Conditions:
Inborn genetic diseases. Identifiers: MedGen C0950123, MeSH D030342.

Submission:

Ambry Genetics
Classification: Uncertain significance for Inborn genetic diseases. Last evaluated: 2024-11-17. Review status: criteria provided, single submitter. Criteria: Ambry Variant Classification Scheme 2023. Collection method: clinical testing. Allele origin: germline.
Comment: The p.H1193Y variant (also known as c.3577C>T), located in coding exon 21 of the RECQL4 gene, results from a C to T substitution at nucleotide position 3577. The histidine at codon 1193 is replaced by tyrosine, an amino acid with similar properties. This amino acid position is conserved. Based on the available evidence, the clinical significance of this variant remains unclear.

NM_004260.4(RECQL4):c.3577C>T (p.His1193Tyr)

Gene: RECQL4 (RecQ like helicase 4; minus strand). Cytogenetic location: 8q24.3.
Variant type: single nucleotide variant.
Coding change: c.3577C>T on transcript NM_004260.4 (MANE Select); coding-DNA position 3577, C replaced by T.
Protein change: p.His1193Tyr; replaces histidine 1193 with tyrosine.
Molecular consequence: missense variant. On other transcripts: non-coding transcript variant (3).
Genome position (GRCh38, 1-based): chr8:144,511,481, G>A on the plus strand (C>T on the coding strand, the complement: RECQL4 is on the minus strand). VCF-style: chr8-144511481-G-A. GRCh37 (hg19) VCF-style: chr8-145736864-G-A.
Other names: c.3283C>T, p.His1095Tyr (NM_001413017.1); c.3379C>T, p.His1127Tyr (NM_001413018.1); c.3652C>T, p.His1218Tyr (NM_001413019.1); c.3481C>T, p.His1161Tyr (NM_001413020.1); c.2506C>T, p.His836Tyr (NM_001413021.1, NM_001413022.1, NM_001413024.1 and 4 more transcripts); c.2581C>T, p.His861Tyr (NM_001413023.1); c.3448C>T, p.His1150Tyr (NM_001413025.1); c.2440C>T, p.His814Tyr (NM_001413027.1, NM_001413030.1, NM_001413032.1); and 9 more; short protein forms H1076Y, H1127Y, H770Y, H826Y, H836Y, H861Y, H1193Y, H792Y.
Identifiers: ClinVar variation 3431846 (VCV003431846.1).